The following is an entry in ClinVar:

ClinVar aggregate classification (germline): Uncertain significance (1 of 4 stars; one submission).

Conditions:
Early-infantile DEE. Also called: Early infantile epileptic encephalopathy with suppression bursts; Early infantile epileptic encephalopathy; Ohtahara syndrome. Identifiers: Orphanet 1934, MedGen C0393706, MONDO:0800491.

Submission:

Labcorp Genetics (formerly Invitae), Labcorp
Classification: Uncertain significance for Early-infantile DEE. Last evaluated: 2024-08-11. Review status: criteria provided, single submitter. Criteria: Invitae Variant Classification Sherloc (09022015). Collection method: clinical testing. Allele origin: germline.
Comment: This sequence change replaces leucine, which is neutral and non-polar, with proline, which is neutral and non-polar, at codon 640 of the KCNQ2 protein (p.Leu640Pro). This variant is not present in population databases (gnomAD no frequency). This variant has not been reported in the literature in individuals affected with KCNQ2-related conditions. ClinVar contains an entry for this variant (Variation ID: 581083). An algorithm developed to predict the effect of missense changes on protein structure and function (PolyPhen-2) suggests that this variant is likely to be disruptive. In summary, the available evidence is currently insufficient to determine the role of this variant in disease. Therefore, it has been classified as a Variant of Uncertain Significance.

NM_172107.4(KCNQ2):c.1919T>C (p.Leu640Pro)

Gene: KCNQ2 (potassium voltage-gated channel subfamily Q member 2; minus strand). Cytogenetic location: 20q13.33.
Variant type: single nucleotide variant.
Coding change: c.1919T>C on transcript NM_172107.4 (MANE Select); coding-DNA position 1919, T replaced by C.
Protein change: p.Leu640Pro; replaces leucine 640 with proline.
Molecular consequence: missense variant.
Genome position (GRCh38, 1-based): chr20:63,407,344, A>G on the plus strand (T>C on the coding strand, the complement: KCNQ2 is on the minus strand). VCF-style: chr20-63407344-A-G. GRCh37 (hg19) VCF-style: chr20-62038697-A-G.
Other names: c.1835T>C, p.Leu612Pro (NM_004518.6); c.1865T>C, p.Leu622Pro (NM_172106.3); c.1826T>C, p.Leu609Pro (NM_172108.5); short protein forms L640P, L609P, L612P, L622P.
Identifiers: ClinVar variation 581083 (VCV000581083.9), dbSNP rs1568862485, ClinGen allele CA409639470.